The following is an entry in ClinVar:

ClinVar aggregate classification (germline): Uncertain significance. Review status: criteria provided, multiple submitters, no conflicts (2 of 4 stars). 2 submissions from 2 submitters: Uncertain significance (2). Last evaluated 2025-10-15.

Conditions:
Pitt-Hopkins syndrome (PTHS). Also called: ENCEPHALOPATHY, SEVERE EPILEPTIC, WITH AUTONOMIC DYSFUNCTION; MENTAL RETARDATION, SYNDROMAL, WITH INTERMITTENT HYPERVENTILATION. Identifiers: Orphanet 2896, MedGen C1970431, MONDO:0012589, OMIM 610954.
Inborn genetic diseases. Identifiers: MedGen C0950123, MeSH D030342.

Submissions (2):

Ambry Genetics
Classification: Uncertain significance for Inborn genetic diseases. Last evaluated: 2025-10-15. Review status: criteria provided, single submitter. Criteria: Ambry Variant Classification Scheme 2023. Collection method: clinical testing. Allele origin: germline.

Labcorp Genetics (formerly Invitae), Labcorp
Classification: Uncertain significance for Pitt-Hopkins syndrome. Last evaluated: 2024-11-19. Review status: criteria provided, single submitter. Criteria: Invitae Variant Classification Sherloc (09022015). Collection method: clinical testing. Allele origin: germline.
Comment: This sequence change replaces methionine, which is neutral and non-polar, with isoleucine, which is neutral and non-polar, at codon 661 of the TCF4 protein (p.Met661Ile). This variant is not present in population databases (gnomAD no frequency). This variant has not been reported in the literature in individuals affected with TCF4-related conditions. Invitae Evidence Modeling of protein sequence and biophysical properties (such as structural, functional, and spatial information, amino acid conservation, physicochemical variation, residue mobility, and thermodynamic stability) indicates that this missense variant is not expected to disrupt TCF4 protein function with a negative predictive value of 95%. In summary, the available evidence is currently insufficient to determine the role of this variant in disease. Therefore, it has been classified as a Variant of Uncertain Significance.

NM_001083962.2(TCF4):c.1983G>A (p.Met661Ile)

Gene: TCF4 (transcription factor 4; minus strand). Cytogenetic location: 18q21.2.
Variant type: single nucleotide variant.
Coding change: c.1983G>A on transcript NM_001083962.2 (MANE Select); coding-DNA position 1983, G replaced by A.
Protein change: p.Met661Ile; replaces methionine 661 with isoleucine.
Molecular consequence: missense variant.
Genome position (GRCh38, 1-based): chr18:55,228,258, C>T on the plus strand (G>A on the coding strand, the complement: TCF4 is on the minus strand). VCF-style: chr18-55228258-C-T. GRCh37 (hg19) VCF-style: chr18-52895489-C-T.
Other names: c.1908G>A, p.Met636Ile (NM_001369580.1, NM_001369581.1, NM_001369576.1 and 3 more transcripts); c.1899G>A, p.Met633Ile (NM_001369582.1, NM_001369583.1, NM_001348219.2 and 1 more transcripts); c.1896G>A, p.Met632Ile (NM_001369584.1, NM_001369585.1, NM_001348220.1); c.1914G>A, p.Met638Ile (NM_001369586.1); c.1971G>A, p.Met657Ile (NM_003199.3, NM_001369571.1, NM_001369572.1); c.2289G>A, p.Met763Ile (NM_001243226.3); c.1911G>A, p.Met637Ile (NM_001243227.2, NM_001348217.1, NM_001348218.2 and 1 more transcripts); c.2001G>A, p.Met667Ile (NM_001243228.2); and 15 more; short protein forms M445I, M531I, M586I, M657I, M660I, M633I, M636I, M661I.
Identifiers: ClinVar variation 3639991 (VCV003639991.3).